The following is an entry in ClinVar:

ClinVar aggregate classification (germline): Conflicting classifications of pathogenicity. Review status: criteria provided, conflicting classifications (1 of 4 stars). 2 submissions from 2 submitters: Uncertain significance (1); Likely benign (1). Last evaluated 2025-07-06.

Conditions:
Spermatogenic failure 18. Identifiers: MedGen C4539783, MONDO:0054615, OMIM 617576.
Ciliary dyskinesia, primary, 37 (CILD37). Also called: CILIARY DYSKINESIA, PRIMARY, 37, WITH OR WITHOUT SITUS INVERSUS. Identifiers: MedGen C4539798, MONDO:0033204, OMIM 617577.

Allele frequency attached by ClinVar (database versions not stated): gnomAD exomes 0.00001 and 0.00003; TOPMed 0.00002; ExAC 0.00003; gnomAD 0.00001.
gnomAD v4.1: 17 of 1,613,834 alleles (0.0011%); highest among the groups gnomAD compares: East Asian, 0.0045%; no homozygotes.

Submissions (2):

Labcorp Genetics (formerly Invitae), Labcorp
Classification: Uncertain significance for Ciliary dyskinesia, primary, 37; Spermatogenic failure 18. Last evaluated: 2025-07-06. Review status: criteria provided, single submitter. Criteria: Invitae Variant Classification Sherloc (09022015). Collection method: clinical testing. Allele origin: germline.
Comment: This sequence change replaces valine, which is neutral and non-polar, with isoleucine, which is neutral and non-polar, at codon 2660 of the DNAH1 protein (p.Val2660Ile). This variant is present in population databases (rs768620121, gnomAD 0.006%). This variant has not been reported in the literature in individuals affected with DNAH1-related conditions. ClinVar contains an entry for this variant (Variation ID: 1489252). Invitae Evidence Modeling of protein sequence and biophysical properties (such as structural, functional, and spatial information, amino acid conservation, physicochemical variation, residue mobility, and thermodynamic stability) indicates that this missense variant is not expected to disrupt DNAH1 protein function with a negative predictive value of 80%. In summary, the available evidence is currently insufficient to determine the role of this variant in disease. Therefore, it has been classified as a Variant of Uncertain Significance.

Ambry Genetics
Classification: Likely benign. Last evaluated: 2023-06-27. Review status: criteria provided, single submitter. Criteria: Ambry Variant Classification Scheme 2023. Collection method: clinical testing. Allele origin: germline.

NM_015512.5(DNAH1):c.7978G>A (p.Val2660Ile)

Gene: DNAH1 (dynein axonemal heavy chain 1; plus strand). Cytogenetic location: 3p21.1.
Variant type: single nucleotide variant.
Coding change: c.7978G>A on transcript NM_015512.5 (MANE Select); coding-DNA position 7978, G replaced by A.
Protein change: p.Val2660Ile; replaces valine 2660 with isoleucine.
Molecular consequence: missense variant.
Genome position (GRCh38, 1-based): chr3:52,383,422, G>A. VCF-style: chr3-52383422-G-A. GRCh37 (hg19) VCF-style: chr3-52417438-G-A.
Other names: c.7978G>A (NM_015512.4); short protein forms V2660I.
Identifiers: ClinVar variation 1489252 (VCV001489252.8), dbSNP rs768620121, ClinGen allele CA2435056.